The following is an entry in ClinVar:

ClinVar aggregate classification (germline): Benign (1 of 4 stars; one submission).

Allele frequency attached by ClinVar (database versions not stated): 1000 Genomes Project 30x 0.95550; TOPMed 0.95464; 1000 Genomes Project 0.95567.
gnomAD v4.1: 145,890 of 152,184 alleles (96%); highest among the groups gnomAD compares: East Asian, 100%; 70,150 homozygotes.

Submission:

GeneDx
Classification: Benign. Last evaluated: 2018-06-14. Review status: criteria provided, single submitter. Criteria: GeneDx Variant Classification (06012015). Collection method: clinical testing. Allele origin: germline. Affected: yes.
Comment: This variant is considered likely benign or benign based on one or more of the following criteria: it is a conservative change, it occurs at a poorly conserved position in the protein, it is predicted to be benign by multiple in silico algorithms, and/or has population frequency not consistent with disease.

NM_001277062.2(MFF):c.440+2680C>A

Gene: MFF (mitochondrial fission factor; plus strand). Cytogenetic location: 2q36.3.
Variant type: single nucleotide variant.
Coding change: c.440+2680C>A on transcript NM_001277062.2 (MANE Select); 2680 bases into the intron after coding-DNA position 440, C replaced by A.
Molecular consequence: intron variant.
Genome position (GRCh38, 1-based): chr2:227,343,060, C>A. VCF-style: chr2-227343060-C-A. GRCh37 (hg19) VCF-style: chr2-228207776-C-A.
Other names: c.593+241C>A (NM_001277061.2, NM_020194.5); c.515+241C>A (NM_001277063.2); c.440+2680C>A (NM_001277064.2, NM_001277065.2, NM_001277066.2 and 1 more transcripts); c.290+2680C>A (NM_001277067.1).
Identifiers: ClinVar variation 684251 (VCV000684251.1), dbSNP rs6740870, ClinGen allele CA15166199.
Genomic context (GRCh38, chr2:227,343,060, plus strand): 5'-AAAAAAACTAGACCATCTAAGGAAGTTGTATATGATTTTGCATGTGTTGGTGAAAGGAAC[C>A]TGAAATATAATATGCACATAAGGACCAAGCATCCTTTTTTGTTTATTTTGCTTTGGTTGG-3'